The following is an entry in ClinVar:

NM_001367561.1(DOCK7):c.1801-1565T>C

Gene: DOCK7 (dedicator of cytokinesis 7; minus strand). Cytogenetic location: 1p31.3.
Variant type: single nucleotide variant.
Coding change: c.1801-1565T>C on transcript NM_001367561.1 (MANE Select); 1565 bases into the intron before coding-DNA position 1801, T replaced by C.
Molecular consequence: intron variant. On other transcripts: synonymous variant (1).
Genome position (GRCh38, 1-based): chr1:62,584,819, A>G on the plus strand (T>C on the coding strand, the complement: DOCK7 is on the minus strand). VCF-style: chr1-62584819-A-G. GRCh37 (hg19) VCF-style: chr1-63050490-A-G.
Other names: c.1860T>C, p.His620= (NM_001272002.2); c.1801-1565T>C (NM_001272001.2, NM_001272000.2, NM_033407.4 and 2 more transcripts).
Identifiers: ClinVar variation 2638865 (VCV002638865.24), dbSNP rs1042125852, ClinGen allele CA23779985.

ClinVar aggregate classification (germline): Likely benign (1 of 4 stars; one submission).

Allele frequency attached by ClinVar (database versions not stated): gnomAD 0.00001; gnomAD exomes 0.00002; TOPMed 0.00002.
gnomAD v4.1: 15 of 730,728 alleles (0.0021%); highest among the groups gnomAD compares: Non-Finnish European, 0.0028%; no homozygotes.

Submission:

CeGaT Center for Human Genetics Tuebingen
Classification: Likely benign. Last evaluated: 2025-06-01. Review status: criteria provided, single submitter. Criteria: CeGaT Center For Human Genetics Tuebingen Variant Classification Criteria Version 2. Collection method: clinical testing. Allele origin: germline. Affected: yes. Observed: 2 variant alleles.
Comment: DOCK7: BP4, BP7